The following is an entry in ClinVar:

ClinVar aggregate classification (germline): Pathogenic. Review status: criteria provided, multiple submitters, no conflicts (2 of 4 stars). 7 submissions from 7 submitters: Pathogenic (6). 1 of the submissions does not count toward it. Last evaluated 2024-03-18.

Conditions:
ELN-related disorder.
Supravalvar aortic stenosis (SVAS). Also called: Supravalvar aortic stenosis, Eisenberg type. Identifiers: Orphanet 3193, MedGen C0003499, MONDO:0008504, OMIM 185500, HP:0004381.

Submissions (7):

KardioGenetik, Herz- und Diabeteszentrum NRW
Classification: Pathogenic for Supravalvar aortic stenosis. Last evaluated: 2024-03-18. Review status: criteria provided, single submitter. Criteria: ACMG Guidelines, 2015. Collection method: clinical testing. Allele origin: unknown. Affected: yes. Observed: 1 variant allele.
Comment: PVS1, PS4_moderate, PM2_supporting, PP4

GeneDx
Classification: Pathogenic. Last evaluated: 2023-10-24. Review status: criteria provided, single submitter. Criteria: GeneDx Variant Classification Process June 2021. Collection method: clinical testing. Allele origin: germline. Affected: yes.
Comment: Nonsense variant predicted to result in protein truncation or nonsense mediated decay in a gene for which loss of function is a known mechanism of disease; Not observed at significant frequency in large population cohorts (gnomAD); This variant is associated with the following publications: (PMID: 9215671, 9215670, 32960096, 27535533, 11175284)

Labcorp Genetics (formerly Invitae), Labcorp
Classification: Pathogenic for Supravalvar aortic stenosis. Last evaluated: 2022-01-16. Review status: criteria provided, single submitter. Criteria: Invitae Variant Classification Sherloc (09022015). Collection method: clinical testing. Allele origin: germline.
Comment: For these reasons, this variant has been classified as Pathogenic. ClinVar contains an entry for this variant (Variation ID: 16722). This premature translational stop signal has been observed in individual(s) with clinical features of ELN-related conditions (PMID: 9215670). This variant is not present in population databases (gnomAD no frequency). This sequence change creates a premature translational stop signal (p.Gln442*) in the ELN gene. It is expected to result in an absent or disrupted protein product. Loss-of-function variants in ELN are known to be pathogenic (PMID: 11175284).

Blueprint Genetics
Classification: Pathogenic for ELN-related disorders. Last evaluated: 2020-02-28. Review status: criteria provided, single submitter. Criteria: ACMG Guidelines, 2015. Collection method: clinical testing. Allele origin: germline. Affected: yes. Observed: 1 variant allele.

Laboratory for Molecular Medicine, Mass General Brigham Personalized Medicine
Classification: Pathogenic for Supravalvular aortic stenosis. Last evaluated: 2011-08-04. Review status: criteria provided, single submitter. Criteria: LMM Criteria. Collection method: clinical testing. Allele origin: germline. Observed: 1 variant allele.
Comment: The Gln442X variant has been reported in 4 individuals with both sporadic and fa milial SVAS (Li 1997, Metcalfe 2000). In addition, this variant was absent from over 750 control chromosomes (Li 1997), supporting a pathogenic role. Furthermor e, the Gln442X variant it leads to a premature stop at codon 442 and is predicte d to lead to a truncated or absent protein. Loss of function is an established mechanism of disease for the ELN gene (Human Gene Mutation Database, HGMD). Ther efore, the Gln442X variant meets our criteria for pathogenicity and is highly likely to be pathogenic.

Clinical Genetics Service, Universitary Hospital 12 de Octubre
Classification: Pathogenic for Supravalvar aortic stenosis. Review status: criteria provided, single submitter. Criteria: ACMG Guidelines, 2015. Collection method: clinical testing. Allele origin: germline. Affected: yes.

OMIM
Classification: Pathogenic for SUPRAVALVULAR AORTIC STENOSIS. Last evaluated: 2000-12-01. Review status: no assertion criteria provided. Collection method: literature only. Allele origin: germline. Not counted in ClinVar's aggregate classification.

Literature cited by the submitters: PubMed 9215670 (cited by 3 submitters); PubMed 11175284 (cited by 3 submitters); PubMed 9215671 (cited by OMIM).

NM_000501.4(ELN):c.1324C>T (p.Gln442Ter)

Gene: ELN (elastin; plus strand). Cytogenetic location: 7q11.23.
Variant type: single nucleotide variant.
Coding change: c.1324C>T on transcript NM_000501.4 (MANE Select); coding-DNA position 1324, C replaced by T.
Protein change: p.Gln442Ter; replaces glutamine 442 with a stop codon.
Molecular consequence: nonsense.
Genome position (GRCh38, 1-based): chr7:74,056,680, C>T. VCF-style: chr7-74056680-C-T. GRCh37 (hg19) VCF-style: chr7-73471010-C-T.
Other names: c.1294C>T, p.Gln432Ter (NM_001081752.3, NM_001278917.2); c.1339C>T, p.Gln447Ter (NM_001081753.3, NM_001081754.3); c.1324C>T, p.Gln442Ter (NM_001081755.3, NM_001278912.2, NM_001278915.2 and 1 more transcripts); c.1138C>T, p.Gln380Ter (NM_001278913.2); c.1309C>T, p.Gln437Ter (NM_001278914.2); c.1282C>T, p.Gln428Ter (NM_001278916.2); c.1114C>T, p.Gln372Ter (NM_001278918.2); c.1324C>T (NM_000501.3); short protein forms Q442*, Q372*, Q380*, Q437*, Q447*, Q432*, Q428*.
Identifiers: ClinVar variation 16722 (VCV000016722.19), dbSNP rs137854452, ClinGen allele CA281025.